The following is an entry in ClinVar:

NM_006767.4(LZTR1):c.2470del (p.Leu824fs)

Gene: LZTR1 (leucine zipper like post translational regulator 1; plus strand). Cytogenetic location: 22q11.21.
Variant type: Deletion.
Coding change: c.2470del on transcript NM_006767.4 (MANE Select); coding-DNA position 2470, one base deleted (C; older notation c.2470delC).
Protein change: p.Leu824fs; shifts the reading frame from leucine 824.
Molecular consequence: frameshift variant.
Genome position (GRCh38, 1-based): chr22:20,997,295, C deleted; the last of 3 consecutive C bases (chr22:20,997,293-20,997,295); deleting any one gives the same sequence. VCF-style (leftmost placement, unchanged base first): chr22-20997292-TC-T. GRCh37 (hg19) VCF-style: chr22-21351581-TC-T.
Other names: short protein forms L824fs.
Identifiers: ClinVar variation 3706348 (VCV003706348.2).
Genomic context (GRCh38, chr22:20,997,292, plus strand): 5'-GTCTCCAAGTTGCCCACCCTGCGGTCGCTGAGCCAGCAGCTGCTGCTGGACATCATAGAC[TC>T]CCTGGCCTCCCACATCTCAGACAAGCAGTGCGCAGAGCTGGGCGCCGACATCTGAGGCCC-3'

ClinVar aggregate classification (germline): Uncertain significance (1 of 4 stars; one submission).

Submission:

Labcorp Genetics (formerly Invitae), Labcorp
Classification: Uncertain significance. Last evaluated: 2024-11-24. Review status: criteria provided, single submitter. Criteria: Invitae Variant Classification Sherloc (09022015). Collection method: clinical testing. Allele origin: germline.
Comment: This sequence change results in a frameshift in the LZTR1 gene (p.Leu824Trpfs*67). While this is not anticipated to result in nonsense mediated decay, it is expected to disrupt the last 17 amino acid(s) of the LZTR1 protein and extend the protein by 49 additional amino acid residues. This variant is not present in population databases (gnomAD no frequency). This variant has not been reported in the literature in individuals affected with LZTR1-related conditions. Experimental studies and prediction algorithms are not available or were not evaluated, and the functional significance of this variant is currently unknown. In summary, the available evidence is currently insufficient to determine the role of this variant in disease. Therefore, it has been classified as a Variant of Uncertain Significance.